The following is an entry in ClinVar:

NM_006922.4(SCN3A):c.3499G>A (p.Ala1167Thr)

Gene: SCN3A (sodium voltage-gated channel alpha subunit 3; minus strand). Cytogenetic location: 2q24.3.
Variant type: single nucleotide variant.
Coding change: c.3499G>A on transcript NM_006922.4 (MANE Select); coding-DNA position 3499, G replaced by A.
Protein change: p.Ala1167Thr; replaces alanine 1167 with threonine.
Molecular consequence: missense variant.
Genome position (GRCh38, 1-based): chr2:165,115,470, C>T on the plus strand (G>A on the coding strand, the complement: SCN3A is on the minus strand). VCF-style: chr2-165115470-C-T. GRCh37 (hg19) VCF-style: chr2-165971980-C-T.
Other names: c.3352G>A, p.Ala1118Thr (NM_001081676.2, NM_001081677.2); short protein forms A1167T, A1118T.
Identifiers: ClinVar variation 863540 (VCV000863540.10), dbSNP rs1259561654, ClinGen allele CA349035604.

ClinVar aggregate classification (germline): Uncertain significance. Review status: criteria provided, multiple submitters, no conflicts (2 of 4 stars). 3 submissions from 2 submitters: Uncertain significance (3). Last evaluated 2023-01-05.

Conditions:
Epilepsy, familial focal, with variable foci 4 (FFEVF4). Identifiers: MedGen C4693694, MONDO:0054776, OMIM 617935.
Developmental and epileptic encephalopathy, 62. Also called: Early infantile epileptic encephalopathy 62. Identifiers: MedGen C4693699, MONDO:0033371, OMIM 617938.

Allele frequency attached by ClinVar (database versions not stated): gnomAD exomes 0.00001; TOPMed 0.00001.
gnomAD v4.1: 14 of 1,613,776 alleles (0.00087%); highest among the groups gnomAD compares: South Asian, 0.0022%; no homozygotes.

Submissions (3):

Baylor Genetics
Classification: Uncertain significance for Developmental and epileptic encephalopathy, 62. Last evaluated: 2023-01-05. Review status: criteria provided, single submitter. Criteria: ACMG Guidelines, 2015. Collection method: clinical testing. Allele origin: unknown.

Baylor Genetics
Classification: Uncertain significance for Epilepsy, familial focal, with variable foci 4. Last evaluated: 2023-01-05. Review status: criteria provided, single submitter. Criteria: ACMG Guidelines, 2015. Collection method: clinical testing. Allele origin: unknown.

Labcorp Genetics (formerly Invitae), Labcorp
Classification: Uncertain significance. Last evaluated: 2021-04-16. Review status: criteria provided, single submitter. Criteria: Invitae Variant Classification Sherloc (09022015). Collection method: clinical testing. Allele origin: germline.
Comment: This sequence change replaces alanine with threonine at codon 1167 of the SCN3A protein (p.Ala1167Thr). The alanine residue is moderately conserved and there is a small physicochemical difference between alanine and threonine. This variant is not present in population databases (ExAC no frequency). This variant has not been reported in the literature in individuals with SCN3A-related conditions. Algorithms developed to predict the effect of missense changes on protein structure and function are either unavailable or do not agree on the potential impact of this missense change (SIFT: "Deleterious"; PolyPhen-2: "Possibly Damaging"; Align-GVGD: "Class C0"). In summary, the available evidence is currently insufficient to determine the role of this variant in disease. Therefore, it has been classified as a Variant of Uncertain Significance.